The following is an entry in ClinVar:

ClinVar aggregate classification (germline): Likely benign (1 of 4 stars; one submission).

Allele frequency attached by ClinVar (database versions not stated): 1000 Genomes Project 0.00120; 1000 Genomes Project 30x 0.00125; ESP Exome Variant Server 0.00277; ExAC 0.00367; gnomAD 0.00414; gnomAD exomes 0.00436; TOPMed 0.00456.
gnomAD v4.1: 7,125 of 1,613,968 alleles (0.44%); highest among the groups gnomAD compares: Middle Eastern, 2.2%; 40 homozygotes.

Submission:

CeGaT Center for Human Genetics Tuebingen
Classification: Likely benign. Last evaluated: 2022-12-01. Review status: criteria provided, single submitter. Criteria: CeGaT Center For Human Genetics Tuebingen Variant Classification Criteria Version 2. Collection method: clinical testing. Allele origin: germline. Affected: yes. Observed: 1 variant allele.
Comment: ABCB1: BS2

NM_001348946.2(ABCB1):c.1225-34T>C

Gene: ABCB1 (ATP binding cassette subfamily B member 1; minus strand). Cytogenetic location: 7q21.12.
Variant type: single nucleotide variant.
Coding change: c.1225-34T>C on transcript NM_001348946.2 (MANE Select); 34 bases into the intron before coding-DNA position 1225, T replaced by C.
Molecular consequence: intron variant.
Genome position (GRCh38, 1-based): chr7:87,550,330, A>G on the plus strand (T>C on the coding strand, the complement: ABCB1 is on the minus strand). VCF-style: chr7-87550330-A-G. GRCh37 (hg19) VCF-style: chr7-87179646-A-G.
Other names: c.1225-34T>C (NM_001348944.2, NM_000927.5); c.1435-34T>C (NM_001348945.2).
Identifiers: ClinVar variation 2657658 (VCV002657658.24), dbSNP rs28381896, ClinGen allele CA4328362.